The following is an entry in ClinVar:

ClinVar aggregate classification (germline): Uncertain significance (1 of 4 stars; one submission).

Conditions:
Hypercholesterolemia, autosomal dominant, 3 (FHCL3). Also called: Familial Hypercholesterolemia, Autosomal Dominant, 3; PCSK9-Related Familial Hypercholesterolemia, Autosomal Dominant; Familial hypercholesterolemia 3. Identifiers: MedGen C1863551, MONDO:0011369, OMIM 603776.

Submission:

Labcorp Genetics (formerly Invitae), Labcorp
Classification: Uncertain significance for Hypercholesterolemia, autosomal dominant, 3. Last evaluated: 2025-11-24. Review status: criteria provided, single submitter. Criteria: Invitae Variant Classification Sherloc (09022015). Collection method: clinical testing. Allele origin: germline.
Comment: This sequence change falls in intron 9 of the PCSK9 gene. It does not directly change the encoded amino acid sequence of the PCSK9 protein. This variant is not present in population databases (gnomAD no frequency). This variant has not been reported in the literature in individuals affected with PCSK9-related conditions. Experimental studies and prediction algorithms are not available or were not evaluated, and the effect of this variant on mRNA splicing is currently unknown. In summary, the available evidence is currently insufficient to determine the role of this variant in disease. Therefore, it has been classified as a Variant of Uncertain Significance.

NM_174936.4(PCSK9):c.1503+19_1503+36del

Gene: PCSK9 (proprotein convertase subtilisin/kexin type 9; plus strand). Cytogenetic location: 1p32.3.
Variant type: Deletion.
Coding change: c.1503+19_1503+36del on transcript NM_174936.4 (MANE Select); bases 19 to 36 of the intron after coding-DNA position 1503, 18 bases deleted (CGTGTGTGTGTGTGTGTG).
Molecular consequence: intron variant.
Genome position (GRCh38, 1-based): chr1:55,058,666-55,058,683, CGTGTGTGTGTGTGTGTG deleted. VCF-style (leftmost placement, unchanged base first): chr1-55058665-TCGTGTGTGTGTGTGTGTG-T. GRCh37 (hg19) VCF-style: chr1-55524338-TCGTGTGTGTGTGTGTGTG-T.
Other names: c.1128+19_1128+36del (NM_001407246.1); c.1626+19_1626+36del (NM_001407240.1); c.1506+19_1506+36del (NM_001407242.1); c.1503+19_1503+36del (NM_001407241.1); c.1329+19_1329+36del (NM_001407244.1); c.1180+1152_1180+1169del (NM_001407247.1); c.1446+19_1446+36del (NM_001407243.1); c.1311+19_1311+36del (NM_001407245.1).
Identifiers: ClinVar variation 4752262 (VCV004752262.1).
Genomic context (GRCh38, chr1:55,058,665, plus strand): 5'-CAGTTTCTCCAGGAGTGGGAAGCGGCGGGGCGAGCGCATGGAGGTGACTGTACCCCTCCT[TCGTGTGTGTGTGTGTGTG>T]TGTGTGTGTGTGTGTGTGTGTGTGTGTGTGTGTGTCAGTGCTGGGCCCTCAGGGACCCCC-3'